The following is an entry in ClinVar:

ClinVar aggregate classification (germline): Likely pathogenic (1 of 4 stars; one submission).

Conditions:
Autosomal recessive osteopetrosis 1. Also called: TCIRG1-Related Autosomal Recessive Osteopetrosis; ALBERS-SCHONBERG DISEASE, AUTOSOMAL RECESSIVE; TCIRG1-Related Osteopetrosis. Identifiers: Orphanet 667, MedGen C1850127, MONDO:0009815, OMIM 259700.

Submission:

Myriad Genetics, Inc.
Classification: Likely pathogenic for Autosomal recessive osteopetrosis 1. Last evaluated: 2022-02-21. Review status: criteria provided, single submitter. Criteria: Myriad Women's Health Autosomal Recessive and X-Linked Classification Criteria (2021). Collection method: clinical testing. Allele origin: unknown.
Comment: NM_006019.3(TCIRG1):c.751_752ins8(E251Gfs*31) is expected to be pathogenic in the context of autosomal recessive osteopetrosis type 1. This variant is predicted to lead to an abnormal or absent protein product due to the creation of a premature termination codon in TCIRG1, a gene where loss-of-function variants are known to be pathogenic. Please note: this variant was assessed in the context of healthy population screening.

NM_006019.4(TCIRG1):c.751_752insGTATGGGG (p.Glu251fs)

Gene: TCIRG1 (T cell immune regulator 1, ATPase H+ transporting V0 subunit a3; plus strand). Cytogenetic location: 11q13.2.
Variant type: Insertion.
Coding change: c.751_752insGTATGGGG on transcript NM_006019.4 (MANE Select); coding-DNA positions 751 to 752, GTATGGGG inserted.
Protein change: p.Glu251fs; shifts the reading frame from glutamic acid 251.
Molecular consequence: frameshift variant. On other transcripts: 5 prime UTR variant (1).
Genome position: GRCh38 VCF-style: chr11-68043849-A-AGGGTATGG. GRCh37 (hg19) VCF-style: chr11-67811316-A-AGGGTATGG.
Other names: c.-144_-143insGTATGGGG (NM_001351059.2); c.103_104insGTATGGGG, p.Glu35fs (NM_006053.4); short protein forms E251fs, E35fs.
Identifiers: ClinVar variation 1724613 (VCV001724613.2), dbSNP rs2495623863, ClinGen allele CA2580084673.